The following is an entry in ClinVar:

NM_133259.4(LRPPRC):c.3098C>G (p.Pro1033Arg)

Gene: LRPPRC (leucine rich pentatricopeptide repeat containing; minus strand). Cytogenetic location: 2p21.
Variant type: single nucleotide variant.
Coding change: c.3098C>G on transcript NM_133259.4 (MANE Select); coding-DNA position 3098, C replaced by G.
Protein change: p.Pro1033Arg; replaces proline 1033 with arginine.
Molecular consequence: missense variant.
Genome position (GRCh38, 1-based): chr2:43,918,075, G>C on the plus strand (C>G on the coding strand, the complement: LRPPRC is on the minus strand). VCF-style: chr2-43918075-G-C. GRCh37 (hg19) VCF-style: chr2-44145214-G-C.
Other names: short protein forms P1033R.
Identifiers: ClinVar variation 3539747 (VCV003539747.5).

ClinVar aggregate classification (germline): Uncertain significance. Review status: criteria provided, multiple submitters, no conflicts (2 of 4 stars). 4 submissions from 4 submitters: Uncertain significance (4). Last evaluated 2026-02-19.

Conditions:
Inborn genetic diseases. Identifiers: MedGen C0950123, MeSH D030342.
LRPPRC-related disorder. Also called: LRPPRC-related condition.
Congenital lactic acidosis, Saguenay-Lac-Saint-Jean type (MC4DN5). Also called: CYTOCHROME c OXIDASE DEFICIENCY, FRENCH CANADIAN TYPE; COX DEFICIENCY, FRENCH CANADIAN TYPE; MITOCHONDRIAL COMPLEX IV DEFICIENCY, NUCLEAR TYPE 5. Identifiers: Orphanet 70472, MedGen C1857355, MONDO:0009069, OMIM 220111.

gnomAD v4.1: 7 of 1,612,154 alleles (0.00043%); highest among the groups gnomAD compares: Admixed American, 0.0067%; no homozygotes.

Submissions (4):

PreventionGenetics, part of Exact Sciences
Classification: Uncertain significance for LRPPRC-related condition. Last evaluated: 2026-02-19. Review status: criteria provided, single submitter. Criteria: ACMG Guidelines, 2015. Collection method: clinical testing. Allele origin: germline.
Comment: The LRPPRC c.3098C>G variant is predicted to result in the amino acid substitution p.Pro1033Arg. To our knowledge, this variant has not been reported in the literature. This variant is reported in 0.0085% of alleles in individuals of Latino descent in gnomAD. At this time, the clinical significance of this variant is uncertain due to the absence of conclusive functional and genetic evidence.

GeneDx
Classification: Uncertain significance. Last evaluated: 2025-04-15. Review status: criteria provided, single submitter. Criteria: GeneDx Variant Classification Process June 2021. Collection method: clinical testing. Allele origin: germline.
Comment: Not observed at significant frequency in large population cohorts (gnomAD); In silico analysis indicates that this missense variant does not alter protein structure/function; Has not been previously published as pathogenic or benign to our knowledge

Ambry Genetics
Classification: Uncertain significance for Inborn genetic diseases. Last evaluated: 2024-07-02. Review status: criteria provided, single submitter. Criteria: Ambry Variant Classification Scheme 2023. Collection method: clinical testing. Allele origin: germline.

Fulgent Genetics
Classification: Uncertain significance for Congenital lactic acidosis, Saguenay-Lac-Saint-Jean type. Last evaluated: 2024-01-09. Review status: criteria provided, single submitter. Criteria: ACMG Guidelines, 2015. Collection method: clinical testing. Allele origin: germline.